The following is an entry in ClinVar:

NM_001201543.2(FAM161A):c.336del (p.Lys112fs)

Gene: FAM161A (FAM161 centrosomal protein A; minus strand). Cytogenetic location: 2p15.
Variant type: Deletion.
Coding change: c.336del on transcript NM_001201543.2 (MANE Select); coding-DNA position 336, one base deleted (A; older notation c.336delA).
Protein change: p.Lys112fs; shifts the reading frame from lysine 112.
Molecular consequence: frameshift variant. On other transcripts: non-coding transcript variant (1).
Genome position (GRCh38, 1-based): chr2:61,842,208, T deleted on the plus strand (A on the coding strand, the reverse complement: FAM161A is on the minus strand); the first of 4 consecutive T bases (chr2:61,842,208-61,842,211); deleting any one gives the same sequence. VCF-style (leftmost placement, unchanged base first): chr2-61842207-AT-A. GRCh37 (hg19) VCF-style: chr2-62069342-AT-A.
Other names: c.336del, p.Lys112fs (NM_032180.3); c.336delA (NM_001201543.1); c.336del (NM_001201543.1); short protein forms K112fs.
Identifiers: ClinVar variation 647059 (VCV000647059.11), dbSNP rs1281095503, ClinGen allele CA533181609.

ClinVar aggregate classification (germline): Pathogenic/Likely pathogenic. Review status: criteria provided, multiple submitters, no conflicts (2 of 4 stars). 4 submissions from 4 submitters: Pathogenic (2); Likely pathogenic (2). Last evaluated 2025-12-16.

Conditions:
Retinitis pigmentosa 28 (RP28). Identifiers: Orphanet 791, MedGen C1419614, MONDO:0011630, OMIM 606068.
FAM161A-related disorder. Also called: FAM161A-related condition.

Submissions (4):

PreventionGenetics, part of Exact Sciences
Classification: Likely pathogenic for FAM161A-related condition. Last evaluated: 2025-12-16. Review status: criteria provided, single submitter. Criteria: ACMG Guidelines, 2015. Collection method: clinical testing. Allele origin: germline.
Comment: The FAM161A c.336delA variant is predicted to result in a frameshift and premature protein termination (p.Lys112Asnfs*2). To our knowledge, this variant has not been reported in individuals with FAM161A-related disease. This variant is reported in 0.0065% of alleles in individuals of European (Non-Finnish) descent in gnomAD. Frameshift variants in FAM161A are expected to be pathogenic. This variant is interpreted as likely pathogenic.

Myriad Genetics, Inc.
Classification: Pathogenic for Retinitis pigmentosa 28. Last evaluated: 2025-08-29. Review status: criteria provided, single submitter. Criteria: Myriad Autosomal Dominant, Autosomal Recessive and X-Linked Classification Criteria (2023). Collection method: clinical testing. Allele origin: unknown.
Comment: NM_001201543.1(FAM161A):c.336delA(K112Nfs*2) is a frameshift variant classified as pathogenic in the context of retinitis pigmentosa, FAM161A-related. K112Nfs*2 has not been observed in cases with relevant disease. Relevant functional assessments of this variant are not available in the literature. K112Nfs*2 has not been observed in referenced population frequency databases. In summary, NM_001201543.1(FAM161A):c.336delA(K112Nfs*2) is a frameshift variant in a gene where loss of function is a known mechanism of disease and is predicted to disrupt protein function. Please note: this variant was assessed in the context of healthy population screening.

Natera, Inc.
Classification: Likely pathogenic for Retinitis pigmentosa type 28. Last evaluated: 2025-04-30. Review status: criteria provided, single submitter. Criteria: Natera Variant Classification Schema (03/2026). Collection method: clinical testing. Allele origin: germline.
Comment: The c.336delA variant in FAM161A is a frameshift variant predicted to shift the reading frame beginning at codon 112 and leads to a stop codon 2 codons downstream. This variant is expected to result in nonsense mediated decay, truncation, or a dysfunctional protein product. This variant is rare in the general population with a frequency below the threshold expected for the associated phenotype(s). Given the available evidence, this variant is classified as Likely Pathogenic.

Labcorp Genetics (formerly Invitae), Labcorp
Classification: Pathogenic. Last evaluated: 2023-11-12. Review status: criteria provided, single submitter. Criteria: Invitae Variant Classification Sherloc (09022015). Collection method: clinical testing. Allele origin: germline.
Comment: This sequence change creates a premature translational stop signal (p.Lys112Asnfs*2) in the FAM161A gene. It is expected to result in an absent or disrupted protein product. Loss-of-function variants in FAM161A are known to be pathogenic (PMID: 20705278, 20705279, 24651477). This variant is present in population databases (no rsID available, gnomAD 0.007%). This variant has not been reported in the literature in individuals affected with FAM161A-related conditions. ClinVar contains an entry for this variant (Variation ID: 647059). For these reasons, this variant has been classified as Pathogenic.

Literature cited by the submitters: PubMed 20705278 (cited by Labcorp Genetics (formerly Invitae), Labcorp); PubMed 20705279 (cited by Labcorp Genetics (formerly Invitae), Labcorp); PubMed 24651477 (cited by Labcorp Genetics (formerly Invitae), Labcorp).